The following is an entry in ClinVar:

ClinVar aggregate classification (germline): Likely pathogenic. Review status: criteria provided, multiple submitters, no conflicts (2 of 4 stars). 4 submissions from 4 submitters: Likely pathogenic (2). 2 of the submissions do not count toward it. Last evaluated 2025-09-10.

Conditions:
Infantile cerebellar-retinal degeneration (ICRD). Identifiers: Orphanet 313850, MedGen C3281192, MONDO:0013802, OMIM 614559.

Submissions (4):

Genomic Medicine Center of Excellence, King Faisal Specialist Hospital and Research Centre
Classification: Likely pathogenic for Infantile cerebellar-retinal degeneration. Last evaluated: 2025-09-10. Review status: criteria provided, single submitter. Criteria: ACMG Guidelines, 2015. Collection method: clinical testing. Allele origin: germline.

Victorian Clinical Genetics Services, Murdoch Childrens Research Institute
Classification: Likely pathogenic for Infantile cerebellar-retinal degeneration. Last evaluated: 2024-10-08. Review status: criteria provided, single submitter. Criteria: ACMG Guidelines, 2015. Collection method: clinical testing. Allele origin: germline. Inheritance: Autosomal recessive inheritance. Affected: yes.
Comment: Based on the classification scheme VCGS_Germline_v1.3.4, this variant is classified as Likely Pathogenic. Following criteria are met: 0102 - Loss of function is a known mechanism of disease in this gene and is associated with optic atrophy 9 (MIM#616289) and infantile cerebellar-retinal degeneration (MIM#614559). (I) 0108 - This gene is associated with both recessive and dominant disease. Infantile cerebellar-retinal degeneration (MIM#614559) is associated with autosomal recessive inheritance, while optic atrophy 9 (MIM#616289) is associated with both autosomal recessive and dominant inheritance. There is currently no genotype-phenotype correlation between the two conditions, however, autosomal recessive optic atrophy has been shown to be more severe than autosomal dominant optic atrophy (PMID: 34056600). (I) 0208 - Variant is predicted to result in an elongated protein. (SP) 0252 - This variant is homozygous. (I) 0301 - Variant is absent from gnomAD (both v2 and v3). (SP) 0705 - No comparable extension variants have previous evidence for pathogenicity. (I) 0803 - This variant has limited previous evidence of pathogenicity in unrelated individuals. This variant has been reported as homozygous in three individuals (two of whom are siblings) with clinical features including seizures, microcephaly and neurodevelopmental delay (PMIDs: 32519519, 27435318). (SP) 1007 - No published functional evidence has been identified for this variant. (I) Legend: (SP) - Supporting pathogenic, (I) - Information, (SB) - Supporting benign

OMIM
Classification: Pathogenic for INFANTILE CEREBELLAR-RETINAL DEGENERATION. Last evaluated: 2020-09-16. Review status: no assertion criteria provided. Collection method: literature only. Allele origin: germline. Not counted in ClinVar's aggregate classification.

Lupski Lab, Baylor-Hopkins CMG, Baylor College of Medicine
Classification: Pathogenic for Infantile cerebellar-retinal degeneration. Last evaluated: 2016-01-10. Review status: no assertion criteria provided. Collection method: research. Allele origin: inherited. Inheritance: Autosomal recessive inheritance. Affected: yes. Observed: 2 variant alleles, 2 homozygotes. Study: The combination of WES, CNV-derived from WES, paralog studies, and GeneMatcher provide potential molecular diagnosis in a cohort from Saudi Arabia. Not counted in ClinVar's aggregate classification.

Literature cited by the submitters: PubMed 27435318 (cited by Victorian Clinical Genetics Services, Murdoch Childrens Research Institute); PubMed 32519519 (cited by Victorian Clinical Genetics Services, Murdoch Childrens Research Institute and OMIM); PubMed 34056600 (cited by Victorian Clinical Genetics Services, Murdoch Childrens Research Institute); PubMed 31130284 (cited by OMIM).

NM_001098.3(ACO2):c.2338_2339del (p.Gln780fs)

Genes: POLR3H (RNA polymerase III subunit H; minus strand), ACO2 (aconitase 2; plus strand). Cytogenetic location: 22q13.2.
Variant type: Deletion.
Coding change: c.2338_2339del on transcript NM_001098.3 (MANE Select); coding-DNA positions 2338 to 2339, 2 bases deleted (CA; older notation c.2338_2339delCA).
Protein change: p.Gln780fs; shifts the reading frame from glutamine 780.
Molecular consequence: frameshift variant. On other transcripts: 3 prime UTR variant (5).
Genome position (GRCh38, 1-based): chr22:41,528,608-41,528,609, CA deleted; deleting any 2 consecutive bases within chr22:41,528,607-41,528,609 gives the same sequence; the c. name uses the placement nearest the transcript's 3' end. VCF-style (leftmost placement, unchanged base first): chr22-41528606-AAC-A. GRCh37 (hg19) VCF-style: chr22-41924610-AAC-A.
Other names: c.2338_2339delCA (NM_001098.2); c.*675_*676del (NM_001018050.4, NM_001018052.4, NM_001282884.2 and 2 more transcripts); short protein forms Q780fs.
Identifiers: ClinVar variation 242873 (VCV000242873.4), dbSNP rs1114167284, ClinGen allele CA645369798.